The following is an entry in ClinVar:

NM_001371928.1(AHDC1):c.4513C>G (p.Leu1505Val)

Gene: AHDC1 (AT-hook DNA binding motif containing 1; minus strand). Cytogenetic location: 1p36.11.
Variant type: single nucleotide variant.
Coding change: c.4513C>G on transcript NM_001371928.1 (MANE Select); coding-DNA position 4513, C replaced by G.
Protein change: p.Leu1505Val; replaces leucine 1505 with valine.
Molecular consequence: missense variant.
Genome position (GRCh38, 1-based): chr1:27,547,603, G>C on the plus strand (C>G on the coding strand, the complement: AHDC1 is on the minus strand). VCF-style: chr1-27547603-G-C. GRCh37 (hg19) VCF-style: chr1-27874114-G-C.
Other names: c.4513C>G, p.Leu1505Val (NM_001029882.3); short protein forms L1505V.
Identifiers: ClinVar variation 3644404 (VCV003644404.2).

ClinVar aggregate classification (germline): Uncertain significance (1 of 4 stars; one submission).

gnomAD v4.1: 3 of 1,605,464 alleles (0.00019%); highest among the groups gnomAD compares: Non-Finnish European, 0.00025%; no homozygotes.

Submission:

Labcorp Genetics (formerly Invitae), Labcorp
Classification: Uncertain significance. Last evaluated: 2024-08-07. Review status: criteria provided, single submitter. Criteria: Invitae Variant Classification Sherloc (09022015). Collection method: clinical testing. Allele origin: germline.
Comment: This sequence change replaces leucine, which is neutral and non-polar, with valine, which is neutral and non-polar, at codon 1505 of the AHDC1 protein (p.Leu1505Val). This variant is not present in population databases (gnomAD no frequency). This variant has not been reported in the literature in individuals affected with AHDC1-related conditions. An algorithm developed to predict the effect of missense changes on protein structure and function (PolyPhen-2) suggests that this variant is likely to be disruptive. In summary, the available evidence is currently insufficient to determine the role of this variant in disease. Therefore, it has been classified as a Variant of Uncertain Significance.